The following is an entry in ClinVar:

NM_002180.3(IGHMBP2):c.1418G>A (p.Arg473Lys)

Gene: IGHMBP2 (immunoglobulin mu DNA binding protein 2; plus strand). Cytogenetic location: 11q13.3.
Variant type: single nucleotide variant.
Coding change: c.1418G>A on transcript NM_002180.3 (MANE Select); coding-DNA position 1418, G replaced by A.
Protein change: p.Arg473Lys; replaces arginine 473 with lysine.
Molecular consequence: missense variant.
Genome position (GRCh38, 1-based): chr11:68,933,481, G>A. VCF-style: chr11-68933481-G-A. GRCh37 (hg19) VCF-style: chr11-68700949-G-A.
Other names: short protein forms R473K.
Identifiers: ClinVar variation 657754 (VCV000657754.9), dbSNP rs1594451539, ClinGen allele CA381649493.

ClinVar aggregate classification (germline): Uncertain significance (1 of 4 stars; one submission).

Conditions:
Autosomal recessive distal spinal muscular atrophy 1. Also called: NEURONOPATHY, DISTAL HEREDITARY MOTOR, HARDING TYPE VI; NEUROPATHY, DISTAL HEREDITARY MOTOR, AUTOSOMAL RECESSIVE 1; HMN VI; NEURONOPATHY, SEVERE INFANTILE AXONAL, WITH RESPIRATORY FAILURE; SEVERE INFANTILE AXONAL NEUROPATHY WITH RESPIRATORY FAILURE; SPINAL MUSCULAR ATROPHY, DIAPHRAGMATIC. Identifiers: Orphanet 98920, MedGen C1858517, MONDO:0011436, OMIM 604320.
Charcot-Marie-Tooth disease axonal type 2S. Also called: CHARCOT-MARIE-TOOTH NEUROPATHY, TYPE 2S; CHARCOT-MARIE-TOOTH DISEASE, AXONAL, AUTOSOMAL RECESSIVE, TYPE 2S. Identifiers: Orphanet 443073, MedGen C4015349, MONDO:0014511, OMIM 616155.

Submission:

Labcorp Genetics (formerly Invitae), Labcorp
Classification: Uncertain significance for Autosomal recessive distal spinal muscular atrophy 1; Charcot-Marie-Tooth disease axonal type 2S. Last evaluated: 2018-10-22. Review status: criteria provided, single submitter. Criteria: Invitae Variant Classification Sherloc (09022015). Collection method: clinical testing. Allele origin: germline.
Comment: In summary, the available evidence is currently insufficient to determine the role of this variant in disease. Therefore, it has been classified as a Variant of Uncertain Significance. Nucleotide substitutions within the consensus splice site are a relatively common cause of aberrant splicing (PMID: 17576681, 9536098). Algorithms developed to predict the effect of sequence changes on RNA splicing suggest that this variant may disrupt the consensus splice site, but this prediction has not been confirmed by published transcriptional studies. Algorithms developed to predict the effect of missense changes on protein structure and function output the following: SIFT: "Tolerated"; PolyPhen-2: "Benign"; Align-GVGD: "Class C0". The lysine amino acid residue is found in multiple mammalian species, suggesting that this missense change does not adversely affect protein function. These predictions have not been confirmed by published functional studies and their clinical significance is uncertain. This variant has not been reported in the literature in individuals with IGHMBP2-related disease. This variant is not present in population databases (ExAC no frequency). This sequence change replaces arginine with lysine at codon 473 of the IGHMBP2 protein (p.Arg473Lys). The arginine residue is weakly conserved and there is a small physicochemical difference between arginine and lysine. This variant also falls at the last nucleotide of exon 9 of the IGHMBP2 coding sequence, which is part of the consensus splice site for this exon.

Literature cited by the submitters: PubMed 17576681; PubMed 9536098.